The following is an entry in ClinVar:

NM_030632.3(ASXL3):c.3480T>C (p.Ile1160=)

Gene: ASXL3 (ASXL transcriptional regulator 3; plus strand). Cytogenetic location: 18q12.1.
Variant type: single nucleotide variant.
Coding change: c.3480T>C on transcript NM_030632.3 (MANE Select); coding-DNA position 3480, T replaced by C.
Protein change: p.Ile1160=; no amino-acid change (isoleucine 1160 retained).
Molecular consequence: synonymous variant.
Genome position (GRCh38, 1-based): chr18:33,743,328, T>C. VCF-style: chr18-33743328-T-C. GRCh37 (hg19) VCF-style: chr18-31323292-T-C.
Identifiers: ClinVar variation 2648650 (VCV002648650.25), dbSNP rs2067699243, ClinGen allele CA503769893.

ClinVar aggregate classification (germline): Likely benign. Review status: criteria provided, multiple submitters, no conflicts (2 of 4 stars). 2 submissions from 2 submitters: Likely benign (2). Last evaluated 2024-09-16.

Allele frequency attached by ClinVar (database versions not stated): gnomAD exomes 0.00001; TOPMed 0.00001.
gnomAD v4.1: 10 of 1,613,924 alleles (0.00062%); highest among the groups gnomAD compares: Non-Finnish European, 0.00085%; 1 homozygote.

Submissions (2):

Blueprint Genetics
Classification: Likely benign. Last evaluated: 2024-09-16. Review status: criteria provided, single submitter. Criteria: ACMG Guidelines, 2015. Collection method: clinical testing. Allele origin: germline.

CeGaT Center for Human Genetics Tuebingen
Classification: Likely benign. Last evaluated: 2023-02-01. Review status: criteria provided, single submitter. Criteria: CeGaT Center For Human Genetics Tuebingen Variant Classification Criteria Version 2. Collection method: clinical testing. Allele origin: germline. Affected: yes. Observed: 1 variant allele.
Comment: ASXL3: PM2:Supporting, BP4, BP7